The following is an entry in ClinVar:

ClinVar aggregate classification (germline): Uncertain significance (1 of 4 stars; one submission).

Conditions:
Global developmental delay with or without impaired intellectual development. Identifiers: MedGen C5193032, MONDO:0032680, OMIM 618330.

Submission:

Victorian Clinical Genetics Services, Murdoch Childrens Research Institute
Classification: Uncertain significance for Global developmental delay with or without impaired intellectual development. Last evaluated: 2024-10-02. Review status: criteria provided, single submitter. Criteria: ACMG Guidelines, 2015. Collection method: clinical testing. Allele origin: germline. Affected: yes.
Comment: This variant is classified as VUS-3A. Evidence in support of pathogenic classification: Variant is predicted to result in an elongated protein; Variant is absent from gnomAD (v2, v3 and v4); Additional information: This variant is heterozygous; This gene is associated with autosomal dominant disease; This variant has no previous evidence of pathogenicity; No published segregation evidence has been identified for this variant; No published functional evidence has been identified for this variant; Another protein elongation variant comparable to the one identified in this case has inconclusive previous evidence for pathogenicity. p.(Asp1481Argfs*78) has been reported as de novo in an individual with clinical features consistent with CUX1-related neurodevelopmental disorder (PMID: 37644171); Variant is not located in an established domain, motif, hotspot or informative constraint region; Loss of function is a known mechanism of disease in this gene and is associated with global developmental delay with or without impaired intellectual development (MIM#618330).

Literature cited by the submitters: PubMed 37644171.

NM_181552.4(CUX1):c.4391_4407del (p.Glu1464fs)

Gene: CUX1 (cut like homeobox 1; plus strand). Cytogenetic location: 7q22.1.
Variant type: Deletion.
Coding change: c.4391_4407del on transcript NM_181552.4 (MANE Select); coding-DNA positions 4391 to 4407, 17 bases deleted (AGGCCGCGGGCGCCCGG).
Protein change: p.Glu1464fs; shifts the reading frame from glutamic acid 1464.
Molecular consequence: frameshift variant. On other transcripts: intron variant (5).
Genome position (GRCh38, 1-based): chr7:102,248,915-102,248,931, AGGCCGCGGGCGCCCGG deleted; deleting any 17 consecutive bases within chr7:102,248,914-102,248,931 gives the same sequence; the c. name uses the placement nearest the transcript's 3' end. VCF-style (leftmost placement, unchanged base first): chr7-102248913-CGAGGCCGCGGGCGCCCG-C. GRCh37 (hg19) VCF-style: chr7-101892193-CGAGGCCGCGGGCGCCCG-C.
Other names: c.4424_4440del, p.Glu1475fs (NM_001202543.2); c.1256-24451_1256-24435del (NM_001913.5); c.1250-24451_1250-24435del (NM_181500.4); c.1118-24451_1118-24435del (NM_001202545.3); c.1208-24451_1208-24435del (NM_001202544.3); c.1139-24451_1139-24435del (NM_001202546.3); short protein forms E1464fs, E1475fs.
Identifiers: ClinVar variation 4532048 (VCV004532048.1).